The following is an entry in ClinVar:

NM_000059.4(BRCA2):c.4148_4149del (p.Asp1383fs)

Gene: BRCA2 (BRCA2 DNA repair associated; plus strand). Cytogenetic location: 13q13.1.
Variant type: Deletion.
Coding change: c.4148_4149del on transcript NM_000059.4 (MANE Select); coding-DNA positions 4148 to 4149, 2 bases deleted (AT; older notation c.4148_4149delAT).
Protein change: p.Asp1383fs; shifts the reading frame from aspartic acid 1383.
Molecular consequence: frameshift variant.
Genome position (GRCh38, 1-based): chr13:32,338,503-32,338,504, AT deleted. VCF-style (leftmost placement, unchanged base first): chr13-32338502-GAT-G. GRCh37 (hg19) VCF-style: chr13-32912639-GAT-G.
Other names: c.4148_4149delAT (NM_000059.3).
Identifiers: ClinVar variation 224441 (VCV000224441.3), dbSNP rs886037799, ClinGen allele CA10575919.

ClinVar aggregate classification (germline): Pathogenic. Review status: reviewed by expert panel (3 of 4 stars). 2 submissions from 2 submitters: Pathogenic (1). 1 of the submissions does not count toward it. Last evaluated 2017-12-15.

Conditions:
Breast neoplasm. Also called: Neoplasm of breast; Breast tumor; Neoplasm of the breast; Breast Neoplasms. Identifiers: MedGen C1458155, MeSH D001943, MONDO:0021100, HP:0100013. Disease mechanism: gain of function.
Breast-ovarian cancer, familial, susceptibility to, 2 (BROVCA2). Also called: BRCA2 Hereditary Breast and Ovarian Cancer. Identifiers: Orphanet 145, MedGen C2675520, MONDO:0012933, OMIM 612555. Disease mechanism: loss of function.

Submissions (2):

Evidence-based Network for the Interpretation of Germline Mutant Alleles (ENIGMA)
Classification: Pathogenic for Breast-ovarian cancer, familial, susceptibility to, 2. Last evaluated: 2017-12-15. Review status: reviewed by expert panel. Criteria: ENIGMA BRCA1/2 Classification Criteria (2017-06-29). Collection method: curation. Allele origin: germline. Study: ENIGMA.
Comment: Variant allele predicted to encode a truncated non-functional protein.

Laboratory of Molecular Diagnosis of Cancer, West China Hospital, Sichuan University
Classification: Pathogenic for Breast neoplasm. Last evaluated: 2015-11-01. Review status: criteria provided, single submitter. Criteria: ACMG Guidelines, 2015. Collection method: research. Allele origin: germline. Affected: yes. Observed: 1 variant allele. Not counted in ClinVar's aggregate classification.

Literature cited by the submitters: PubMed 27257965 (cited by Laboratory of Molecular Diagnosis of Cancer, West China Hospital, Sichuan University).